The following is an entry in ClinVar:

NM_003283.6(TNNT1):c.626G>A (p.Trp209Ter)

Gene: TNNT1 (troponin T1, slow skeletal type; minus strand). Cytogenetic location: 19q13.42.
Variant type: single nucleotide variant.
Coding change: c.626G>A on transcript NM_003283.6 (MANE Select); coding-DNA position 626, G replaced by A.
Protein change: p.Trp209Ter; replaces tryptophan 209 with a stop codon.
Molecular consequence: nonsense. On other transcripts: intron variant (3).
Genome position (GRCh38, 1-based): chr19:55,134,190, C>T on the plus strand (G>A on the coding strand, the complement: TNNT1 is on the minus strand). VCF-style: chr19-55134190-C-T. GRCh37 (hg19) VCF-style: chr19-55645558-C-T.
Other names: c.579-34G>A (NM_001126133.3, NM_001291774.2); c.612-34G>A (NM_001126132.3); short protein forms W209*.
Identifiers: ClinVar variation 2004473 (VCV002004473.4), dbSNP rs2515404859, ClinGen allele CA407432082.

ClinVar aggregate classification (germline): Pathogenic (1 of 4 stars; one submission).

Conditions:
Nemaline myopathy 5 (NEM5A). Also called: NEMALINE MYOPATHY, AMISH TYPE; Nemaline myopathy 5, Amish type; NEMALINE MYOPATHY 5A, AUTOSOMAL RECESSIVE, SEVERE INFANTILE. Identifiers: Orphanet 98902, MedGen C1854380, MONDO:0011539, OMIM 605355.

Allele frequency attached by ClinVar (database versions not stated): gnomAD exomes below 0.00001.
gnomAD v4.1: 1 of 1,579,224 alleles (0.000063%); highest among the groups gnomAD compares: Admixed American, 0.0019%; no homozygotes.

Submission:

Labcorp Genetics (formerly Invitae), Labcorp
Classification: Pathogenic for Nemaline myopathy 5. Last evaluated: 2022-06-10. Review status: criteria provided, single submitter. Criteria: Invitae Variant Classification Sherloc (09022015). Collection method: clinical testing. Allele origin: germline.
Comment: This variant is not present in population databases (gnomAD no frequency). For these reasons, this variant has been classified as Pathogenic. This variant has not been reported in the literature in individuals affected with TNNT1-related conditions. This sequence change creates a premature translational stop signal (p.Trp209*) in the TNNT1 gene. It is expected to result in an absent or disrupted protein product. Loss-of-function variants in TNNT1 are known to be pathogenic (PMID: 10952871, 24689076, 25430424).

Literature cited by the submitters: PubMed 10952871; PubMed 24689076; PubMed 25430424.